The following is an entry in ClinVar:

NM_000059.4(BRCA2):c.3068_3071del (p.Asn1023fs)

Gene: BRCA2 (BRCA2 DNA repair associated; plus strand). Cytogenetic location: 13q13.1.
Variant type: Deletion.
Coding change: c.3068_3071del on transcript NM_000059.4 (MANE Select); coding-DNA positions 3068 to 3071, 4 bases deleted (ACAT; older notation c.3068_3071delACAT).
Protein change: p.Asn1023fs; shifts the reading frame from asparagine 1023.
Molecular consequence: frameshift variant.
Genome position (GRCh38, 1-based): chr13:32,337,423-32,337,426, ACAT deleted. VCF-style (leftmost placement, unchanged base first): chr13-32337422-AACAT-A. GRCh37 (hg19) VCF-style: chr13-32911559-AACAT-A.
Other names: c.3068_3071delACAT (NM_000059.3); short protein forms N1023fs.
Identifiers: ClinVar variation 433194 (VCV000433194.2), dbSNP rs1555283031, ClinGen allele CA645372951.
Genomic context (GRCh38, chr13:32,337,422, plus strand): 5'-CACAGTTTTGGAGGTAGCTTCAGAACAGCTTCAAATAAGGAAATCAAGCTCTCTGAACAT[AACAT>A]TAAGAAGAGCAAAATGTTCTTCAAAGATATTGAAGAACAATATCCTACTAGTTTAGCTTG-3'

ClinVar aggregate classification (germline): Pathogenic. Review status: reviewed by expert panel (3 of 4 stars). 2 submissions from 2 submitters: Pathogenic (1). 1 of the submissions does not count toward it. Last evaluated 2017-12-15.

Conditions:
Breast-ovarian cancer, familial, susceptibility to, 2 (BROVCA2). Also called: BRCA2 Hereditary Breast and Ovarian Cancer. Identifiers: Orphanet 145, MedGen C2675520, MONDO:0012933, OMIM 612555. Disease mechanism: loss of function.

Submissions (2):

Evidence-based Network for the Interpretation of Germline Mutant Alleles (ENIGMA)
Classification: Pathogenic for Breast-ovarian cancer, familial, susceptibility to, 2. Last evaluated: 2017-12-15. Review status: reviewed by expert panel. Criteria: ENIGMA BRCA1/2 Classification Criteria (2017-06-29). Collection method: curation. Allele origin: germline. Study: ENIGMA.
Comment: Variant allele predicted to encode a truncated non-functional protein.

MVZ Praenatalmedizin und Genetik Nuernberg
Classification: Pathogenic for Breast-ovarian cancer, familial, susceptibility to, 2. Last evaluated: 2017-08-01. Review status: no assertion criteria provided. Collection method: clinical testing. Allele origin: germline. Affected: yes. Observed: 1 variant allele, 1 heterozygote. Not counted in ClinVar's aggregate classification.
Comment: i.) The variant is expected to result in a frameshift with premature termination and is therefore rated pathogenic. ii.) In different databases (ClinVar, BIC, UMD, ARUP) there are similar frameshift-mutations and also nonsense mutations known in near vincinity to this cDNA-locus which are rated pathogenic.